The following is an entry in ClinVar:

NM_001134407.3(GRIN2A):c.1025C>A (p.Thr342Lys)

Gene: GRIN2A (glutamate ionotropic receptor NMDA type subunit 2A; minus strand). Cytogenetic location: 16p13.2.
Variant type: single nucleotide variant.
Coding change: c.1025C>A on transcript NM_001134407.3 (MANE Select); coding-DNA position 1025, C replaced by A.
Protein change: p.Thr342Lys; replaces threonine 342 with lysine.
Molecular consequence: missense variant.
Genome position (GRCh38, 1-based): chr16:9,891,083, G>T on the plus strand (C>A on the coding strand, the complement: GRIN2A is on the minus strand). VCF-style: chr16-9891083-G-T. GRCh37 (hg19) VCF-style: chr16-9984940-G-T.
Other names: c.1025C>A, p.Thr342Lys (NM_000833.5, NM_001134408.2); short protein forms T342K.
Identifiers: ClinVar variation 2051253 (VCV002051253.4), dbSNP rs2542990187, ClinGen allele CA394797586.

ClinVar aggregate classification (germline): Uncertain significance (1 of 4 stars; one submission).

Conditions:
Landau-Kleffner syndrome (FESD). Also called: EPILEPSY, FOCAL, WITH SPEECH DISORDER AND WITH OR WITHOUT MENTAL RETARDATION; APHASIA, ACQUIRED, WITH EPILEPSY. Identifiers: Orphanet 1945, Orphanet 725, Orphanet 98818, MedGen C0282512, MONDO:0009509, OMIM 245570.

Submission:

Labcorp Genetics (formerly Invitae), Labcorp
Classification: Uncertain significance for Landau-Kleffner syndrome. Last evaluated: 2021-12-21. Review status: criteria provided, single submitter. Criteria: Invitae Variant Classification Sherloc (09022015). Collection method: clinical testing. Allele origin: germline.
Comment: This sequence change replaces threonine, which is neutral and polar, with lysine, which is basic and polar, at codon 342 of the GRIN2A protein (p.Thr342Lys). In summary, the available evidence is currently insufficient to determine the role of this variant in disease. Therefore, it has been classified as a Variant of Uncertain Significance. Advanced modeling of protein sequence and biophysical properties (such as structural, functional, and spatial information, amino acid conservation, physicochemical variation, residue mobility, and thermodynamic stability) performed at Invitae indicates that this missense variant is not expected to disrupt GRIN2A protein function. This variant has not been reported in the literature in individuals affected with GRIN2A-related conditions. This variant is not present in population databases (gnomAD no frequency).